The following is an entry in ClinVar:

ClinVar aggregate classification (germline): Uncertain significance (1 of 4 stars; one submission).

Allele frequency attached by ClinVar (database versions not stated): ExAC 0.00002; gnomAD exomes 0.00002 and 0.00003; TOPMed 0.00002; gnomAD 0.00003.
gnomAD v4.1: 46 of 1,612,842 alleles (0.0029%); highest among the groups gnomAD compares: Non-Finnish European, 0.0037%; no homozygotes.

Submission:

Labcorp Genetics (formerly Invitae), Labcorp
Classification: Uncertain significance. Last evaluated: 2025-05-12. Review status: criteria provided, single submitter. Criteria: Invitae Variant Classification Sherloc (09022015). Collection method: clinical testing. Allele origin: germline.
Comment: This sequence change replaces isoleucine, which is neutral and non-polar, with valine, which is neutral and non-polar, at codon 1049 of the COL18A1 protein (p.Ile1049Val). This variant is present in population databases (rs760329911, gnomAD 0.004%). This variant has not been reported in the literature in individuals affected with COL18A1-related conditions. ClinVar contains an entry for this variant (Variation ID: 1473466). Experimental studies and prediction algorithms are not available or were not evaluated, and the functional significance of this variant is currently unknown. In summary, the available evidence is currently insufficient to determine the role of this variant in disease. Therefore, it has been classified as a Variant of Uncertain Significance.

NM_001379500.1(COL18A1):c.3154A>G (p.Ile1052Val)

Genes: COL18A1 (collagen type XVIII alpha 1 chain; plus strand), SLC19A1 (solute carrier family 19 member 1; minus strand). Cytogenetic location: 21q22.3.
Variant type: single nucleotide variant.
Coding change: c.3154A>G on transcript NM_001379500.1 (MANE Select); coding-DNA position 3154, A replaced by G.
Protein change: p.Ile1052Val; replaces isoleucine 1052 with valine.
Molecular consequence: missense variant.
Genome position (GRCh38, 1-based): chr21:45,505,904, A>G. VCF-style: chr21-45505904-A-G. GRCh37 (hg19) VCF-style: chr21-46925818-A-G.
Other names: c.3685A>G, p.Ile1229Val (NM_030582.4); c.4390A>G, p.Ile1464Val (NM_130444.3); short protein forms I1464V, I1052V, I1229V.
Identifiers: ClinVar variation 1473466 (VCV001473466.6), dbSNP rs760329911, ClinGen allele CA10067731.
Genomic context (GRCh38, chr21:45,505,904, plus strand): 5'-CTCTGGGCTACACGCCAGGCCATGCTGGGCCAGGTGCACGAGGTTCCCGAGGGCTGGCTC[A>G]TCTTCGTGGCCGAGCAGGAGGAGCTCTACGTCCGCGTGCAGAACGGGTTCCGGAAGGTCC-3'
Protein context (NP_001366429.1, residues 1042-1062): QVHEVPEGWL[Ile1052Val]FVAEQEELYV